The following is an entry in ClinVar:

ClinVar aggregate classification (germline): Uncertain significance. Review status: criteria provided, multiple submitters, no conflicts (2 of 4 stars). 4 submissions from 4 submitters: Uncertain significance (4). Last evaluated 2025-07-14.

Conditions:
Hereditary cancer-predisposing syndrome. Also called: Tumor predisposition; Hereditary neoplastic syndrome; Neoplastic Syndromes, Hereditary; Hereditary Cancer Syndrome. Identifiers: Orphanet 140162, MedGen C0027672, MeSH D009386, MONDO:0015356.
Ataxia-telangiectasia syndrome (AT). Also called: ATAXIA-TELANGIECTASIA, COMPLEMENTATION GROUP A; ATAXIA-TELANGIECTASIA, FRESNO VARIANT; Ataxia-telangiectasia; LOUIS-BAR SYNDROME; Cerebello-oculocutaneous telangiectasia; Immunodeficiency with ataxia telangiectasia. Identifiers: Orphanet 100, MedGen C0004135, MONDO:0008840, OMIM 208900.

gnomAD v4.1: 3 of 1,613,200 alleles (0.00019%); highest among the groups gnomAD compares: Middle Eastern, 0.017%; no homozygotes.

Submissions (4):

Ambry Genetics
Classification: Uncertain significance for Hereditary cancer-predisposing syndrome. Last evaluated: 2025-07-14. Review status: criteria provided, single submitter. Criteria: Ambry Variant Classification Scheme 2023. Collection method: clinical testing. Allele origin: germline.
Comment: The p.S49F variant (also known as c.146C>T), located in coding exon 2 of the ATM gene, results from a C to T substitution at nucleotide position 146. The serine at codon 49 is replaced by phenylalanine, an amino acid with highly dissimilar properties. This variant was identified as germline in a patient with a pancreatic neuroendocrine tumor that demonstrated loss of heterozygosity (LOH) at this position (Lawrence B et al. NPJ Genom Med, 2018 Jul;3:18). This amino acid position is not well conserved in available vertebrate species. In addition, this alteration is predicted to be tolerated by in silico analysis. Based on the available evidence, the clinical significance of this variant remains unclear.

Labcorp Genetics (formerly Invitae), Labcorp
Classification: Uncertain significance for Ataxia-telangiectasia syndrome. Last evaluated: 2025-07-06. Review status: criteria provided, single submitter. Criteria: Invitae Variant Classification Sherloc (09022015). Collection method: clinical testing. Allele origin: germline.
Comment: This sequence change replaces serine, which is neutral and polar, with phenylalanine, which is neutral and non-polar, at codon 49 of the ATM protein (p.Ser49Phe). This variant is present in population databases (rs1800054, gnomAD 0.007%). This variant has not been reported in the literature in individuals affected with ATM-related conditions. ClinVar contains an entry for this variant (Variation ID: 135733). Invitae Evidence Modeling of protein sequence and biophysical properties (such as structural, functional, and spatial information, amino acid conservation, physicochemical variation, residue mobility, and thermodynamic stability) indicates that this missense variant is not expected to disrupt ATM protein function with a negative predictive value of 95%. In summary, the available evidence is currently insufficient to determine the role of this variant in disease. Therefore, it has been classified as a Variant of Uncertain Significance.

GeneDx
Classification: Uncertain significance. Last evaluated: 2023-07-06. Review status: criteria provided, single submitter. Criteria: GeneDx Variant Classification Process June 2021. Collection method: clinical testing. Allele origin: germline. Affected: yes.
Comment: Not observed at significant frequency in large population cohorts (gnomAD); In silico analysis supports that this missense variant has a deleterious effect on protein structure/function; Has not been previously published as pathogenic or benign to our knowledge

Color Diagnostics, LLC DBA Color Health
Classification: Uncertain significance for Hereditary cancer-predisposing syndrome. Last evaluated: 2023-03-20. Review status: criteria provided, single submitter. Criteria: ACMG Guidelines, 2015. Collection method: clinical testing. Allele origin: germline.
Comment: This missense variant replaces serine with phenylalanine at codon 49 of the ATM protein. Computational prediction suggests that this variant may not impact protein structure and function (internally defined REVEL score threshold <= 0.5, PMID: 27666373). To our knowledge, functional studies have not been reported for this variant. This variant has not been reported in individuals affected with ATM-related disorders in the literature. This variant has been identified in 1/31378 chromosomes in the general population by the Genome Aggregation Database (gnomAD). The available evidence is insufficient to determine the role of this variant in disease conclusively. Therefore, this variant is classified as a Variant of Uncertain Significance.

Literature cited by the submitters: PubMed 30062048 (cited by Ambry Genetics).

NM_000051.4(ATM):c.146C>T (p.Ser49Phe)

Gene: ATM (ATM serine/threonine kinase; plus strand). Cytogenetic location: 11q22.3.
Variant type: single nucleotide variant.
Coding change: c.146C>T on transcript NM_000051.4 (MANE Select); coding-DNA position 146, C replaced by T.
Protein change: p.Ser49Phe; replaces serine 49 with phenylalanine.
Molecular consequence: missense variant.
Genome position (GRCh38, 1-based): chr11:108,227,849, C>T. VCF-style: chr11-108227849-C-T. GRCh37 (hg19) VCF-style: chr11-108098576-C-T.
Other names: c.146C>T, p.Ser49Phe (NM_001351834.2, NM_001351835.2, NM_001351836.2); short protein forms S49F.
Identifiers: ClinVar variation 135733 (VCV000135733.20), dbSNP rs1800054, ClinGen allele CA332312.
Genomic context (GRCh38, chr11:108,227,849, plus strand): 5'-AATTTAAGCGCCTGATTCGAGATCCTGAAACAATTAAACATCTAGATCGGCATTCAGATT[C>T]CAAACAAGGAAAATATTTGAATTGGGATGCTGTTTTTAGGTATTCTATTCAAATTTATTT-3'
Protein context (NP_000042.3, residues 39-59): TIKHLDRHSD[Ser49Phe]KQGKYLNWDA